The following is an entry in ClinVar:

NM_177438.3(DICER1):c.3786_3791del (p.Gly1263_Thr1264del)

Gene: DICER1 (dicer 1, ribonuclease III; minus strand). Cytogenetic location: 14q32.13.
Variant type: Deletion.
Coding change: c.3786_3791del on transcript NM_177438.3 (MANE Select); coding-DNA positions 3786 to 3791, 6 bases deleted (TGGTAC; older notation c.3786_3791delTGGTAC).
Protein change: p.Gly1263_Thr1264del.
Molecular consequence: non-coding transcript variant (on NR_172715.1).
Genome position (GRCh38, 1-based): chr14:95,103,605-95,103,610, GTACCA deleted on the plus strand (TGGTAC on the coding strand, the reverse complement: DICER1 is on the minus strand); deleting any 6 consecutive bases within chr14:95,103,605-95,103,611 gives the same sequence; the c. name uses the placement nearest the transcript's 3' end. VCF-style (leftmost placement, unchanged base first): chr14-95103604-CGTACCA-C. GRCh37 (hg19) VCF-style: chr14-95569941-CGTACCA-C.
Other names: c.3786_3791del, p.Gly1263_Thr1264del (NM_001195573.1, NM_001271282.3, NM_001291628.2 and 12 more transcripts); c.3504_3509del, p.Gly1169_Thr1170del (NM_001395686.1); c.3381_3386del, p.Gly1128_Thr1129del (NM_001395687.1, NM_001395688.1, NM_001395689.1 and 2 more transcripts); c.3219_3224del, p.Gly1074_Thr1075del (NM_001395691.1); c.2103_2108del, p.Gly702_Thr703del (NM_001395697.1).
Identifiers: ClinVar variation 3693593 (VCV003693593.2).

ClinVar aggregate classification (germline): Uncertain significance (1 of 4 stars; one submission).

Conditions:
DICER1-related tumor predisposition. Also called: DICER1-related pleuropulmonary blastoma cancer predisposition syndrome; DICER1 syndrome. Identifiers: Orphanet 284343, MedGen C3839822, MONDO:0100216.

Submission:

Labcorp Genetics (formerly Invitae), Labcorp
Classification: Uncertain significance for DICER1-related tumor predisposition. Last evaluated: 2024-02-05. Review status: criteria provided, single submitter. Criteria: Invitae Variant Classification Sherloc (09022015). Collection method: clinical testing. Allele origin: germline.
Comment: This variant, c.3786_3791del, results in the deletion of 2 amino acid(s) of the DICER1 protein (p.Gly1263_Thr1264del), but otherwise preserves the integrity of the reading frame. This variant is not present in population databases (gnomAD no frequency). This variant has not been reported in the literature in individuals affected with DICER1-related conditions. Experimental studies and prediction algorithms are not available or were not evaluated, and the functional significance of this variant is currently unknown. In summary, the available evidence is currently insufficient to determine the role of this variant in disease. Therefore, it has been classified as a Variant of Uncertain Significance.